The following is an entry in ClinVar:

NM_001085372.3(UQCC3):c.206C>T (p.Thr69Ile)

Genes: LBHD1 (LBH domain containing 1; minus strand), UQCC3 (ubiquinol-cytochrome c reductase complex assembly factor 3; plus strand). Cytogenetic location: 11q12.3.
Variant type: single nucleotide variant.
Coding change: c.206C>T on transcript NM_001085372.3 (MANE Select); coding-DNA position 206, C replaced by T.
Protein change: p.Thr69Ile; replaces threonine 69 with isoleucine.
Molecular consequence: missense variant.
Genome position (GRCh38, 1-based): chr11:62,672,038, C>T. VCF-style: chr11-62672038-C-T. GRCh37 (hg19) VCF-style: chr11-62439510-C-T.
Other names: short protein forms T69I.
Identifiers: ClinVar variation 781960 (VCV000781960.11), dbSNP rs200284364, ClinGen allele CA6052589.

ClinVar aggregate classification (germline): Likely benign. Review status: criteria provided, multiple submitters, no conflicts (2 of 4 stars). 3 submissions from 3 submitters: Likely benign (3). Last evaluated 2026-06-24.

Conditions:
UQCC3-related disorder. Also called: UQCC3-related condition.

Allele frequency attached by ClinVar (database versions not stated): TOPMed 0.00042; gnomAD exomes 0.00044 and 0.00079; ESP Exome Variant Server 0.00046; ExAC 0.00089; 1000 Genomes Project 0.00020; 1000 Genomes Project 30x 0.00031; gnomAD 0.00038 and 0.00041.
gnomAD v4.1: 737 of 1,612,458 alleles (0.046%); highest among the groups gnomAD compares: Middle Eastern, 0.22%; 3 homozygotes.

Submissions (3):

PreventionGenetics, part of Exact Sciences
Classification: Likely benign for UQCC3-related condition. Last evaluated: 2026-06-24. Review status: criteria provided, single submitter. Criteria: ACMG Guidelines, 2015. Collection method: clinical testing. Allele origin: germline.
Comment: This variant is classified as likely benign based on ACMG/AMP sequence variant interpretation guidelines (Richards et al. 2015 PMID: 25741868, with internal and published modifications).

Labcorp Genetics (formerly Invitae), Labcorp
Classification: Likely benign. Last evaluated: 2025-12-23. Review status: criteria provided, single submitter. Criteria: Invitae Variant Classification Sherloc (09022015). Collection method: clinical testing. Allele origin: germline.

Breakthrough Genomics
Classification: Likely benign. Review status: criteria provided, single submitter. Criteria: ACMG Guidelines, 2015. Collection method: not provided. Allele origin: germline. Inheritance: Autosomal recessive inheritance. Affected: yes.